The following is an entry in ClinVar:

ClinVar aggregate classification (germline): Likely benign. Review status: criteria provided, multiple submitters, no conflicts (2 of 4 stars). 3 submissions from 3 submitters: Likely benign (3). Last evaluated 2026-05-01.

Allele frequency attached by ClinVar (database versions not stated): TOPMed below 0.00001; ExAC 0.00001; gnomAD 0.00001; gnomAD exomes 0.00001.
gnomAD v4.1: 17 of 1,613,572 alleles (0.0011%); highest among the groups gnomAD compares: Middle Eastern, 0.016%; no homozygotes.

Submissions (3):

CeGaT Center for Human Genetics Tuebingen
Classification: Likely benign. Last evaluated: 2026-05-01. Review status: criteria provided, single submitter. Criteria: CeGaT Center For Human Genetics Tuebingen Variant Classification Criteria Version 2. Collection method: clinical testing. Allele origin: germline. Affected: yes. Observed: 1 variant allele.
Comment: MYH9: BP4, BS2

Labcorp Genetics (formerly Invitae), Labcorp
Classification: Likely benign. Last evaluated: 2023-07-29. Review status: criteria provided, single submitter. Criteria: Invitae Variant Classification Sherloc (09022015). Collection method: clinical testing. Allele origin: germline.

PreventionGenetics, part of Exact Sciences
Classification: Likely benign. Review status: criteria provided, single submitter. Criteria: ACMG Guidelines, 2015. Collection method: clinical testing. Allele origin: germline.

NM_002473.6(MYH9):c.3101-5T>C

Gene: MYH9 (myosin heavy chain 9; minus strand). Cytogenetic location: 22q12.3.
Variant type: single nucleotide variant.
Coding change: c.3101-5T>C on transcript NM_002473.6 (MANE Select); 5 bases into the intron before coding-DNA position 3101, T replaced by C.
Molecular consequence: intron variant.
Genome position (GRCh38, 1-based): chr22:36,297,019, A>G on the plus strand (T>C on the coding strand, the complement: MYH9 is on the minus strand). VCF-style: chr22-36297019-A-G. GRCh37 (hg19) VCF-style: chr22-36693065-A-G.
Identifiers: ClinVar variation 258739 (VCV000258739.7), dbSNP rs760310751, ClinGen allele CA10209745.